The following is an entry in ClinVar:

ClinVar aggregate classification (germline): Conflicting classifications of pathogenicity. Review status: criteria provided, conflicting classifications (1 of 4 stars). 5 submissions from 5 submitters: Uncertain significance (3); Likely benign (1). 1 of the submissions does not count toward it. Last evaluated 2025-03-30.

Conditions:
CDH1-related disorder. Also called: CDH1-related condition.
Hereditary cancer-predisposing syndrome. Also called: Neoplastic Syndromes, Hereditary; Hereditary Cancer Syndrome; Hereditary neoplastic syndrome; Tumor predisposition. Identifiers: Orphanet 140162, MedGen C0027672, MeSH D009386, MONDO:0015356.
Hereditary diffuse gastric adenocarcinoma (HDGC). Also called: DIFFUSE GASTRIC AND LOBULAR BREAST CANCER SYNDROME. Identifiers: Orphanet 26106, MedGen C1708349, MONDO:0007648, OMIM 137215.
Familial cancer of breast. Also called: Hereditary breast cancer; hereditary breast carcinoma; BREAST CANCER, FAMILIAL. Identifiers: Orphanet 227535, MedGen C0346153, MONDO:0016419, OMIM 114480. Disease mechanism: loss of function.

Allele frequency attached by ClinVar (database versions not stated): gnomAD 0.00001.

Submissions (5):

Labcorp Genetics (formerly Invitae), Labcorp
Classification: Uncertain significance for Hereditary diffuse gastric adenocarcinoma. Last evaluated: 2025-03-30. Review status: criteria provided, single submitter. Criteria: Invitae Variant Classification Sherloc (09022015). Collection method: clinical testing. Allele origin: germline.
Comment: This sequence change replaces glycine, which is neutral and non-polar, with arginine, which is basic and polar, at codon 633 of the CDH1 protein (p.Gly633Arg). This variant is present in population databases (rs587781615, gnomAD 0.006%). This variant has not been reported in the literature in individuals affected with CDH1-related conditions. ClinVar contains an entry for this variant (Variation ID: 141264). An algorithm developed to predict the effect of missense changes on protein structure and function (PolyPhen-2) suggests that this variant is likely to be disruptive. In summary, the available evidence is currently insufficient to determine the role of this variant in disease. Therefore, it has been classified as a Variant of Uncertain Significance.

Ambry Genetics
Classification: Likely benign for Hereditary cancer-predisposing syndrome. Last evaluated: 2024-06-03. Review status: criteria provided, single submitter. Criteria: Ambry Variant Classification Scheme 2023. Collection method: clinical testing. Allele origin: germline.

Baylor Genetics
Classification: Uncertain significance for Familial cancer of breast. Last evaluated: 2023-11-08. Review status: criteria provided, single submitter. Criteria: ACMG Guidelines, 2015. Collection method: clinical testing. Allele origin: unknown.

Color Diagnostics, LLC DBA Color Health
Classification: Uncertain significance for Hereditary cancer-predisposing syndrome. Last evaluated: 2022-02-15. Review status: criteria provided, single submitter. Criteria: ACMG Guidelines, 2015. Collection method: clinical testing. Allele origin: germline.
Comment: This missense variant replaces glycine with arginine at codon 633 of the CDH1 protein. To our knowledge, functional studies have not been reported for this variant. This variant has not been reported in individuals affected with hereditary cancer in the literature. This variant has been identified in 3/251460 chromosomes in the general population by the Genome Aggregation Database (gnomAD). The available evidence is insufficient to determine the role of this variant in disease conclusively. Therefore, this variant is classified as a Variant of Uncertain Significance.

PreventionGenetics, part of Exact Sciences
Classification: Uncertain significance for CDH1-related condition. Last evaluated: 2024-06-23. Review status: no assertion criteria provided. Collection method: clinical testing. Allele origin: germline. Not counted in ClinVar's aggregate classification.
Comment: The CDH1 c.1897G>A variant is predicted to result in the amino acid substitution p.Gly633Arg. To our knowledge, this variant has not been reported in the literature. This variant is reported in 0.0054% of alleles in individuals of East Asian descent in gnomAD. This variant is classified as a variant of uncertain significance in ClinVar with multiple submitters in agreement. At this time, the clinical significance of this variant is uncertain due to the absence of conclusive functional and genetic evidence.

NM_004360.5(CDH1):c.1897G>A (p.Gly633Arg)

Gene: CDH1 (cadherin 1; plus strand). Cytogenetic location: 16q22.1.
Variant type: single nucleotide variant.
Coding change: c.1897G>A on transcript NM_004360.5 (MANE Select); coding-DNA position 1897, G replaced by A.
Protein change: p.Gly633Arg; replaces glycine 633 with arginine.
Molecular consequence: missense variant. On other transcripts: 5 prime UTR variant (1).
Genome position (GRCh38, 1-based): chr16:68,822,186, G>A. VCF-style: chr16-68822186-G-A. GRCh37 (hg19) VCF-style: chr16-68856089-G-A.
Other names: c.1897G>A (LRG_301t1); c.1714G>A, p.Gly572Arg (NM_001317184.2); c.349G>A, p.Gly117Arg (NM_001317185.2); c.-69G>A (NM_001317186.2); short protein forms G633R, G117R, G572R.
Identifiers: ClinVar variation 141264 (VCV000141264.21), dbSNP rs587781615, ClinGen allele CA164951.
Genomic context (GRCh38, chr16:68,822,186, plus strand): 5'-AACATCATTGATGCAGACCTTCCTCCCAATACATCTCCCTTCACAGCAGAACTAACACAC[G>A]GGGCGAGTGCCAACTGGACCATTCAGTACAACGACCCAAGTGGGTACCTGAGTTTTATTT-3'
Protein context (NP_004351.1, residues 623-643): TSPFTAELTH[Gly633Arg]ASANWTIQYN